The following is an entry in ClinVar:

NM_001048174.2(MUTYH):c.434T>A (p.Leu145His)

Gene: MUTYH (mutY DNA glycosylase; minus strand). Cytogenetic location: 1p34.1.
Variant type: single nucleotide variant.
Coding change: c.434T>A on transcript NM_001048174.2 (MANE Select); coding-DNA position 434, T replaced by A.
Protein change: p.Leu145His; replaces leucine 145 with histidine.
Molecular consequence: missense variant. On other transcripts: non-coding transcript variant (7).
Genome position (GRCh38, 1-based): chr1:45,332,821, A>T on the plus strand (T>A on the coding strand, the complement: MUTYH is on the minus strand). VCF-style: chr1-45332821-A-T. GRCh37 (hg19) VCF-style: chr1-45798493-A-T.
Other names: c.89T>A, p.Leu30His (NM_001350651.2, NM_001350650.2, NM_001407082.1); c.467T>A, p.Leu156His (NM_001407069.1, NM_001407077.1, NM_001293191.2); c.434T>A, p.Leu145His (NM_001407070.1, NM_001407072.1, NM_001407073.1 and 6 more transcripts); c.437T>A, p.Leu146His (NM_001407071.1, NM_001407078.1, NM_001048172.2 and 1 more transcripts); c.350T>A, p.Leu117His (NM_001407075.1); c.395T>A, p.Leu132His (NM_001407079.1); c.518T>A, p.Leu173His (NM_001128425.2); c.479T>A, p.Leu160His (NM_001293190.2); and 5 more; short protein forms L117H, L132H, L170H, L53H, L146H, L156H, L173H, L131H.
Identifiers: ClinVar variation 3642693 (VCV003642693.2).

ClinVar aggregate classification (germline): Uncertain significance (1 of 4 stars; one submission).

Conditions:
Familial adenomatous polyposis 2. Also called: FAP type 2; COLORECTAL ADENOMATOUS POLYPOSIS, AUTOSOMAL RECESSIVE; ADENOMAS, MULTIPLE COLORECTAL, AUTOSOMAL RECESSIVE; MYH-associated polyposis; Adenomas, multiple colorectal; MUTYH-associated polyposis. Identifiers: Orphanet 220460, Orphanet 247798, MedGen C3272841, MONDO:0012041, OMIM 608456.

Submission:

Labcorp Genetics (formerly Invitae), Labcorp
Classification: Uncertain significance for Familial adenomatous polyposis 2. Last evaluated: 2024-02-22. Review status: criteria provided, single submitter. Criteria: Invitae Variant Classification Sherloc (09022015). Collection method: clinical testing. Allele origin: germline.
Comment: This sequence change replaces leucine, which is neutral and non-polar, with histidine, which is basic and polar, at codon 173 of the MUTYH protein (p.Leu173His). This variant is not present in population databases (gnomAD no frequency). This variant has not been reported in the literature in individuals affected with MUTYH-related conditions. An algorithm developed to predict the effect of missense changes on protein structure and function (PolyPhen-2) suggests that this variant is likely to be disruptive. In summary, the available evidence is currently insufficient to determine the role of this variant in disease. Therefore, it has been classified as a Variant of Uncertain Significance.